The following is an entry in ClinVar:

ClinVar aggregate classification (germline): Uncertain significance (1 of 4 stars; one submission).

Allele frequency attached by ClinVar (database versions not stated): gnomAD exomes below 0.00001.
gnomAD v4.1: 1 of 1,614,170 alleles (0.000062%); highest among the groups gnomAD compares: Non-Finnish European, 0.000085%; no homozygotes.

Submission:

Labcorp Genetics (formerly Invitae), Labcorp
Classification: Uncertain significance. Last evaluated: 2022-03-22. Review status: criteria provided, single submitter. Criteria: Invitae Variant Classification Sherloc (09022015). Collection method: clinical testing. Allele origin: germline.
Comment: In summary, the available evidence is currently insufficient to determine the role of this variant in disease. Therefore, it has been classified as a Variant of Uncertain Significance. Algorithms developed to predict the effect of missense changes on protein structure and function (SIFT, PolyPhen-2, Align-GVGD) all suggest that this variant is likely to be tolerated. This variant has not been reported in the literature in individuals affected with HIVEP2-related conditions. This variant is not present in population databases (gnomAD no frequency). This sequence change replaces alanine, which is neutral and non-polar, with valine, which is neutral and non-polar, at codon 725 of the HIVEP2 protein (p.Ala725Val).

NM_006734.4(HIVEP2):c.2174C>T (p.Ala725Val)

Gene: HIVEP2 (HIVEP zinc finger 2; minus strand). Cytogenetic location: 6q24.2.
Variant type: single nucleotide variant.
Coding change: c.2174C>T on transcript NM_006734.4 (MANE Select); coding-DNA position 2174, C replaced by T.
Protein change: p.Ala725Val; replaces alanine 725 with valine.
Molecular consequence: missense variant.
Genome position (GRCh38, 1-based): chr6:142,772,565, G>A on the plus strand (C>T on the coding strand, the complement: HIVEP2 is on the minus strand). VCF-style: chr6-142772565-G-A. GRCh37 (hg19) VCF-style: chr6-143093702-G-A.
Other names: short protein forms A725V.
Identifiers: ClinVar variation 2037626 (VCV002037626.4), dbSNP rs1775577736, ClinGen allele CA365910997.
Genomic context (GRCh38, chr6:142,772,565, plus strand): 5'-GCCATGGCAAATCCACTCCTGACTCCTTCCTGCATCTGCAGTTTGGGGTCATAATCGGAA[G>A]CCATGATGCCCACAGGAGTGCTTACAATGCTGCTGCAGATCATGGGCGTGTCCTCTTCAT-3'
Protein context (NP_006725.3, residues 715-735): SIVSTPVGIM[Ala725Val]SDYDPKLQMQ